The following is an entry in ClinVar:

NM_018671.5(UNC45A):c.1115C>G (p.Ser372Cys)

Gene: UNC45A (unc-45 myosin chaperone A; plus strand). Cytogenetic location: 15q26.1.
Variant type: single nucleotide variant.
Coding change: c.1115C>G on transcript NM_018671.5 (MANE Select); coding-DNA position 1115, C replaced by G.
Protein change: p.Ser372Cys; replaces serine 372 with cysteine.
Molecular consequence: missense variant.
Genome position (GRCh38, 1-based): chr15:90,944,979, C>G. VCF-style: chr15-90944979-C-G. GRCh37 (hg19) VCF-style: chr15-91488209-C-G.
Other names: c.1070C>G, p.Ser357Cys (NM_001039675.2, NM_001323621.2); c.1115C>G, p.Ser372Cys (NM_001323619.1); c.680C>G, p.Ser227Cys (NM_001323620.2); short protein forms S227C, S372C, S357C.
Identifiers: ClinVar variation 1523319 (VCV001523319.6), dbSNP rs2151366938, ClinGen allele CA393854991.

ClinVar aggregate classification (germline): Uncertain significance (1 of 4 stars; one submission).

Submission:

Labcorp Genetics (formerly Invitae), Labcorp
Classification: Uncertain significance. Last evaluated: 2022-09-19. Review status: criteria provided, single submitter. Criteria: Invitae Variant Classification Sherloc (09022015). Collection method: clinical testing. Allele origin: germline.
Comment: This sequence change replaces serine with cysteine at codon 372 of the UNC45A protein (p.Ser372Cys). The serine residue is highly conserved and there is a moderate physicochemical difference between serine and cysteine. This variant is not present in population databases (gnomAD no frequency). This variant has not been reported in the literature in individuals affected with UNC45A-related conditions. ClinVar contains an entry for this variant (Variation ID: 1523319). Advanced modeling of protein sequence and biophysical properties (such as structural, functional, and spatial information, amino acid conservation, physicochemical variation, residue mobility, and thermodynamic stability) performed at Invitae indicates that this missense variant is expected to disrupt UNC45A protein function. In summary, the available evidence is currently insufficient to determine the role of this variant in disease. Therefore, it has been classified as a Variant of Uncertain Significance.